The following is an entry in ClinVar:

ClinVar aggregate classification (germline): Uncertain significance. Review status: criteria provided, multiple submitters, no conflicts (2 of 4 stars). 5 submissions from 5 submitters: Uncertain significance (4). 1 of the submissions does not count toward it. Last evaluated 2026-02-02.

Conditions:
Anauxetic dysplasia. Identifiers: Orphanet 93347, MedGen C1846796, MONDO:0011773.
Anauxetic dysplasia 1 (ANXD1). Also called: Anauxetic Dysplasia (AD). Identifiers: Orphanet 93347, MedGen C4551965, MONDO:0054560, OMIM 607095.
Metaphyseal dysplasia without hypotrichosis. Also called: Metaphyseal Dysplasia without Hypotrichosis (MDWH); CARTILAGE-HAIR HYPOPLASIA VARIANT, SKELETAL MANIFESTATIONS ONLY; CARTILAGE-HAIR HYPOPLASIA-LIKE SKELETAL DYSPLASIA WITHOUT HYPOTRICHOSIS OR IMMUNODEFICIENCY. Identifiers: MedGen C1834821, MONDO:0009601, OMIM 250460.
Metaphyseal chondrodysplasia, McKusick type (CHH). Also called: Cartilage-hair hypoplasia; Cartilage-Hair Hypoplasia (CHH). Identifiers: Orphanet 175, MedGen C0220748, MONDO:0009595, OMIM 250250.

Allele frequency attached by ClinVar (database versions not stated): TOPMed 0.00008; gnomAD exomes 0.00003; gnomAD 0.00007; ExAC below 0.00001.

Submissions (5):

Women's Health and Genetics/Laboratory Corporation of America, LabCorp
Classification: Uncertain significance. Last evaluated: 2026-02-02. Review status: criteria provided, single submitter. Criteria: LabCorp Variant Classification Summary - May 2015. Collection method: clinical testing. Allele origin: germline.
Comment: Variant summary: RMRP n.271T>C (also known as NC_000009.11: chr9:g.35657745A>G, n.272T>C (HGMD),n.*5T>C (Kavadas_2008)) alters an unconserved nucleotide that is located downstream to the 3' end of the non-coding RNA. The variant allele was found at a frequency of 8.2e-05 in 682118 control chromosomes. This frequency is not significantly higher than estimated for a pathogenic variant in RMRP causing Cartilage-Hair Hypoplasia (8.2e-05 vs 0.0072), allowing no conclusion about variant significance. The variant has been reported in at least one compound heterozygous individual affected with Omenn syndrome, who carried a likely pathogenic variant in trans (Kavadas_2008). These data do not allow any conclusion about variant significance. To our knowledge, no experimental evidence demonstrating an impact on protein function has been reported. However, a publication reported experimental evidence for post-transcriptional 3'-end sequence heterogeneity for the RMRP RNA, which suggest that post-transcriptional 3' end processing might play a role in RMRP RNA regulation (PMID: 24053768). The following publication has been ascertained in the context of this evaluation (PMID: 18804272). ClinVar contains an entry for this variant (Variation ID: 552239). Based on the evidence outlined above, the variant was classified as uncertain significance.

Blueprint Genetics
Classification: Uncertain significance. Last evaluated: 2024-04-11. Review status: criteria provided, single submitter. Criteria: ACMG Guidelines, 2015. Collection method: clinical testing. Allele origin: germline.

Labcorp Genetics (formerly Invitae), Labcorp
Classification: Uncertain significance for Anauxetic dysplasia. Last evaluated: 2024-01-18. Review status: criteria provided, single submitter. Criteria: Invitae Variant Classification Sherloc (09022015). Collection method: clinical testing. Allele origin: germline.
Comment: This variant occurs in the RMRP gene, which encodes an RNA molecule that does not result in a protein product. The frequency data for this variant in the population databases is considered unreliable, as metrics indicate poor data quality at this position in the gnomAD database. This variant has been observed in individual(s) with cartilage-hair hypoplasia and/or Omenn syndrome (PMID: 18804272). In at least one individual the data is consistent with being in trans (on the opposite chromosome) from a pathogenic variant. This variant is also known as *5T>C. Experimental studies and prediction algorithms are not available or were not evaluated, and the functional significance of this variant is currently unknown. In summary, the available evidence is currently insufficient to determine the role of this variant in disease. Therefore, it has been classified as a Variant of Uncertain Significance.

Fulgent Genetics
Classification: Uncertain significance for Metaphyseal chondrodysplasia, McKusick type; Metaphyseal dysplasia without hypotrichosis; Anauxetic dysplasia 1. Last evaluated: 2021-10-08. Review status: criteria provided, single submitter. Criteria: ACMG Guidelines, 2015. Collection method: clinical testing. Allele origin: unknown.

Counsyl
Classification: Uncertain significance for Metaphyseal chondrodysplasia, McKusick type. Last evaluated: 2017-05-31. Review status: no assertion criteria provided. Collection method: clinical testing. Allele origin: unknown. Not counted in ClinVar's aggregate classification.

Literature cited by the submitters: PubMed 18804272 (cited by 3 submitters).

NC_000009.12:g.35657748A>G

Gene: RMRP (RNA component of mitochondrial RNA processing endoribonuclease; minus strand). Cytogenetic location: 9p13.3.
Variant type: single nucleotide variant.
Genome position: GRCh38 VCF-style: chr9-35657748-A-G. GRCh37 (hg19) VCF-style: chr9-35657745-A-G.
Identifiers: ClinVar variation 552239 (VCV000552239.34), dbSNP rs377349293, ClinGen allele CA5045805.
Genomic context (GRCh38, chr9:35,657,748, plus strand): 5'-TGAGGCATCGCGTGAGCCCGGGGAGGTCGAGGCTGCAGTGAGCCGTGGTCTCGGGAACAA[A>G]AAACAGCCGCGCTGAGAATGAGCCCCGTGTGGTTGGTGCGCGGACACGCACTGCCTGCGT-3'